The following is an entry in ClinVar:

NM_004329.3(BMPR1A):c.75T>G (p.Asn25Lys)

Gene: BMPR1A (bone morphogenetic protein receptor type 1A; plus strand). Cytogenetic location: 10q23.2.
Variant type: single nucleotide variant.
Coding change: c.75T>G on transcript NM_004329.3 (MANE Select); coding-DNA position 75, T replaced by G.
Protein change: p.Asn25Lys; replaces asparagine 25 with lysine.
Molecular consequence: missense variant. On other transcripts: 5 prime UTR variant (5), non-coding transcript variant (3).
Genome position (GRCh38, 1-based): chr10:86,890,069, T>G. VCF-style: chr10-86890069-T-G. GRCh37 (hg19) VCF-style: chr10-88649826-T-G.
Other names: c.75T>G, p.Asn25Lys (NM_001406559.1, NM_001406560.1, NM_001406561.1 and 23 more transcripts); c.-10T>G (NM_001406584.1, NM_001406585.1, NM_001406586.1 and 2 more transcripts); short protein forms N25K.
Identifiers: ClinVar variation 3385931 (VCV003385931.1).
Genomic context (GRCh38, chr10:86,890,069, plus strand): 5'-AACAATGAGCTTTTCAGAAATGATTTACTTACAAATTCCATATTTGAATGCAGGACAGAA[T>G]CTGGATAGTATGCTTCATGGCACTGGGATGAAATCAGACTCCGACCAGAAAAAGTCAGAA-3'
Protein context (NP_004320.2, residues 15-35): LFIISRVQGQ[Asn25Lys]LDSMLHGTGM

ClinVar aggregate classification (germline): Uncertain significance (1 of 4 stars; one submission).

Conditions:
Juvenile polyposis syndrome (JPS). Identifiers: Orphanet 2929, MedGen C0345893, MONDO:0017380, OMIM 174900.

gnomAD v4.1: 1 of 1,612,916 alleles (0.000062%); highest among the groups gnomAD compares: South Asian, 0.0011%; no homozygotes.

Submission:

All of Us Research Program, National Institutes of Health
Classification: Uncertain significance for Juvenile polyposis syndrome. Last evaluated: 2024-08-06. Review status: criteria provided, single submitter. Criteria: ACMG Guidelines, 2015. Collection method: clinical testing. Allele origin: germline. Inheritance: Autosomal dominant inheritance. Observed: 1 variant allele, 1 heterozygote.
Comment: This study involves interpretation of variants in research participants for the purpose of population health screening. Participant phenotype was not available at the time of variant classification. Additional details can be found in publication PMID: 35346344, PMCID: PMC8962531